The following is an entry in ClinVar:

ClinVar aggregate classification (germline): Likely benign. Review status: criteria provided, multiple submitters, no conflicts (2 of 4 stars). 2 submissions from 2 submitters: Likely benign (2). Last evaluated 2025-11-18.

Conditions:
Deficiency of malonyl-CoA decarboxylase. Also called: Malonic aciduria; MCD deficiency. Identifiers: Orphanet 943, MedGen C0342793, MONDO:0009556, OMIM 248360.

Allele frequency attached by ClinVar (database versions not stated): gnomAD 0.00001; TOPMed 0.00003.

Submissions (2):

Labcorp Genetics (formerly Invitae), Labcorp
Classification: Likely benign for Deficiency of malonyl-CoA decarboxylase. Last evaluated: 2025-11-18. Review status: criteria provided, single submitter. Criteria: Invitae Variant Classification Sherloc (09022015). Collection method: clinical testing. Allele origin: germline.

GeneDx
Classification: Likely benign. Last evaluated: 2016-07-09. Review status: criteria provided, single submitter. Criteria: GeneDx Variant Classification (06012015). Collection method: clinical testing. Allele origin: germline. Affected: yes.
Comment: This variant is considered likely benign or benign based on one or more of the following criteria: it is a conservative change, it occurs at a poorly conserved position in the protein, it is predicted to be benign by multiple in silico algorithms, and/or has population frequency not consistent with disease.

NM_012213.3(MLYCD):c.1191G>A (p.Pro397=)

Gene: MLYCD (malonyl-CoA decarboxylase; plus strand). Cytogenetic location: 16q23.3.
Variant type: single nucleotide variant.
Coding change: c.1191G>A on transcript NM_012213.3 (MANE Select); coding-DNA position 1191, G replaced by A.
Protein change: p.Pro397=; no amino-acid change (proline 397 retained).
Molecular consequence: synonymous variant.
Genome position (GRCh38, 1-based): chr16:83,915,198, G>A. VCF-style: chr16-83915198-G-A. GRCh37 (hg19) VCF-style: chr16-83948803-G-A.
Identifiers: ClinVar variation 387254 (VCV000387254.4), dbSNP rs753701525, ClinGen allele CA8197542.